The following is an entry in ClinVar:

ClinVar aggregate classification (germline): Uncertain significance (1 of 4 stars; one submission).

Conditions:
Familial hypobetalipoproteinemia 1. Also called: APOB-Related Familial Hypobetalipoproteinemia; Hypobetalipoproteinemia, normotriglyceridemic; Acanthocytosis with hypobetalipoproteinemia. Identifiers: MedGen C4551990, MONDO:0014252, OMIM 615558.
Hypercholesterolemia, autosomal dominant, type B (FHCL2). Also called: APOB-Related Familial Hypercholesterolemia, Autosomal Dominant; Familial hypercholesterolemia 2; Familial Hypercholesterolemia Type B; APOLIPOPROTEIN B-100, FAMILIAL DEFECTIVE; APOLIPOPROTEIN B-100, FAMILIAL LIGAND-DEFECTIVE; HYPERCHOLESTEROLEMIA, FAMILIAL, DUE TO LIGAND-DEFECTIVE APOLIPOPROTEIN B. Identifiers: MedGen C1704417, MONDO:0007751, OMIM 144010.

Submission:

Labcorp Genetics (formerly Invitae), Labcorp
Classification: Uncertain significance for Familial hypobetalipoproteinemia 1; Hypercholesterolemia, autosomal dominant, type B. Last evaluated: 2025-10-10. Review status: criteria provided, single submitter. Criteria: Invitae Variant Classification Sherloc (09022015). Collection method: clinical testing. Allele origin: germline.
Comment: This sequence change replaces glutamic acid, which is acidic and polar, with glutamine, which is neutral and polar, at codon 3590 of the APOB protein (p.Glu3590Gln). This variant is not present in population databases (gnomAD no frequency). This variant has not been reported in the literature in individuals affected with APOB-related conditions. Invitae Evidence Modeling of protein sequence and biophysical properties (such as structural, functional, and spatial information, amino acid conservation, physicochemical variation, residue mobility, and thermodynamic stability) indicates that this missense variant is not expected to disrupt APOB protein function with a negative predictive value of 95%. In summary, the available evidence is currently insufficient to determine the role of this variant in disease. Therefore, it has been classified as a Variant of Uncertain Significance.

NM_000384.3(APOB):c.10768G>C (p.Glu3590Gln)

Gene: APOB (apolipoprotein B; minus strand). Cytogenetic location: 2p24.1.
Variant type: single nucleotide variant.
Coding change: c.10768G>C on transcript NM_000384.3 (MANE Select); coding-DNA position 10768, G replaced by C.
Protein change: p.Glu3590Gln; replaces glutamic acid 3590 with glutamine.
Molecular consequence: missense variant.
Genome position (GRCh38, 1-based): chr2:21,006,100, C>G on the plus strand (G>C on the coding strand, the complement: APOB is on the minus strand). VCF-style: chr2-21006100-C-G. GRCh37 (hg19) VCF-style: chr2-21228972-C-G.
Other names: short protein forms E3590Q.
Identifiers: ClinVar variation 4790857 (VCV004790857.1).
Genomic context (GRCh38, chr2:21,006,100, plus strand): 5'-AGGAACTGGGCTGACTTGCATGGACCTGAACAAGAGCTGACATTTGCCATGGAGAGAGTT[C>G]CAGGGTGGCTTTGCTTGTATGTTCTCCGTTGGTGAAAAAGAGGCCCTCTAGCTGTAAGTG-3'
Protein context (NP_000375.3, residues 3580-3600): NGEHTSKATL[Glu3590Gln]LSPWQMSALV